The following is an entry in ClinVar:

NM_002772.3(TMPRSS15):c.1428+2T>G

Gene: TMPRSS15 (transmembrane serine protease 15; minus strand). Cytogenetic location: 21q21.1.
Variant type: single nucleotide variant.
Coding change: c.1428+2T>G on transcript NM_002772.3 (MANE Select); the canonical splice donor site of the intron after coding-DNA position 1428, T replaced by G.
Molecular consequence: splice donor variant.
Genome position (GRCh38, 1-based): chr21:18,343,504, A>C on the plus strand (T>G on the coding strand, the complement: TMPRSS15 is on the minus strand). VCF-style: chr21-18343504-A-C. GRCh37 (hg19) VCF-style: chr21-19715821-A-C.
Identifiers: ClinVar variation 202209 (VCV000202209.7), dbSNP rs138221037, ClinGen allele CA203863.
Genomic context (GRCh38, chr21:18,343,504, plus strand): 5'-CTAAATATAATTGTTCCACCACAAAAAGGATACAAATATAAATAATAAAGTATTTTGCAA[A>C]CCTTAAATTTAACTGTTTCATTTAGGGTTACTTGTCCATAATTCCAATTGTCTCCATAAT-3'

ClinVar aggregate classification (germline): Conflicting classifications of pathogenicity. Review status: criteria provided, conflicting classifications (1 of 4 stars). 3 submissions from 3 submitters: Likely pathogenic (1); Uncertain significance (1). 1 of the submissions does not count toward it. Last evaluated 2025-11-12.

Conditions:
TMPRSS15-related disorder. Also called: TMPRSS15-related condition.
Enterokinase deficiency. Also called: Deficiency of enteropeptidase; ENTEROPEPTIDASE DEFICIENCY; Congenital enteropathy due to enteropeptidase deficiency. Identifiers: Orphanet 168601, MedGen C0268416, MONDO:0009173, OMIM 226200.

Allele frequency attached by ClinVar (database versions not stated): 1000 Genomes Project 30x 0.00016; 1000 Genomes Project 0.00020; gnomAD 0.00032 and 0.00033; TOPMed 0.00039; gnomAD exomes 0.00047 and 0.00055; ExAC 0.00075.
gnomAD v4.1: 752 of 1,606,144 alleles (0.047%); highest among the groups gnomAD compares: Admixed American, 0.18%; 3 homozygotes.

Submissions (3):

PreventionGenetics, part of Exact Sciences
Classification: Likely pathogenic for TMPRSS15-related condition. Last evaluated: 2025-11-12. Review status: criteria provided, single submitter. Criteria: ACMG Guidelines, 2015. Collection method: clinical testing. Allele origin: germline.
Comment: The TMPRSS15 c.1428+2T>G variant is predicted to disrupt the GT donor site and interfere with normal splicing. This variant was reported in a precision medicine study without detailed clinical information on the patient (Dataset 1, Table 3, Hou et al 2020. PubMed ID: 31980526). This variant is reported in 0.20% of alleles in individuals of Latino descent in gnomAD. Variants that disrupt the consensus splice donor site in TMPRSS15 are expected to be pathogenic. This variant is interpreted as likely pathogenic.

Labcorp Genetics (formerly Invitae), Labcorp
Classification: Uncertain significance. Last evaluated: 2022-10-16. Review status: criteria provided, single submitter. Criteria: Invitae Variant Classification Sherloc (09022015). Collection method: clinical testing. Allele origin: germline.
Comment: This sequence change affects a donor splice site in intron 12 of the TMPRSS15 gene. It is expected to disrupt RNA splicing. Variants that disrupt the donor or acceptor splice site typically lead to a loss of protein function (PMID: 16199547), and loss-of-function variants in TMPRSS15 are known to be pathogenic (PMID: 11719902). This variant is present in population databases (rs138221037, gnomAD 0.2%), and has an allele count higher than expected for a pathogenic variant. This variant has not been reported in the literature in individuals affected with TMPRSS15-related conditions. ClinVar contains an entry for this variant (Variation ID: 202209). Algorithms developed to predict the effect of sequence changes on RNA splicing suggest that this variant may disrupt the consensus splice site. In summary, the available evidence is currently insufficient to determine the role of this variant in disease. Therefore, it has been classified as a Variant of Uncertain Significance.

Mendelics
Classification: Uncertain significance for Enterokinase deficiency. Last evaluated: 2023-06-19. Review status: no assertion criteria provided. Collection method: clinical testing. Allele origin: unknown. Affected: yes. Not counted in ClinVar's aggregate classification.

Literature cited by the submitters: PubMed 16199547 (cited by Labcorp Genetics (formerly Invitae), Labcorp); PubMed 11719902 (cited by Labcorp Genetics (formerly Invitae), Labcorp and Mendelics).